The following is an entry in ClinVar:

ClinVar aggregate classification (germline): Likely benign. Review status: criteria provided, multiple submitters, no conflicts (2 of 4 stars). 2 submissions from 2 submitters: Likely benign (2). Last evaluated 2025-09-09.

Conditions:
Inborn genetic diseases. Identifiers: MedGen C0950123, MeSH D030342.

gnomAD v4.1: 1 of 1,612,144 alleles (0.000062%); highest among the groups gnomAD compares: Non-Finnish European, 0.000085%; no homozygotes.

Submissions (2):

Mayo Clinic Laboratories, Mayo Clinic
Classification: Likely benign. Last evaluated: 2025-09-09. Review status: criteria provided, single submitter. Criteria: ACMG Guidelines, 2015. Collection method: clinical testing. Allele origin: germline. Observed: 1 variant allele.
Comment: BP4, BP7

Ambry Genetics
Classification: Likely benign for Inborn genetic diseases. Last evaluated: 2022-10-22. Review status: criteria provided, single submitter. Criteria: Ambry Variant Classification Scheme 2023. Collection method: clinical testing. Allele origin: germline.

NM_198578.4(LRRK2):c.780C>T (p.Phe260=)

Gene: LRRK2 (leucine rich repeat kinase 2; plus strand). Cytogenetic location: 12q12.
Variant type: single nucleotide variant.
Coding change: c.780C>T on transcript NM_198578.4 (MANE Select); coding-DNA position 780, C replaced by T.
Protein change: p.Phe260=; no amino-acid change (phenylalanine 260 retained).
Molecular consequence: synonymous variant.
Genome position (GRCh38, 1-based): chr12:40,243,623, C>T. VCF-style: chr12-40243623-C-T. GRCh37 (hg19) VCF-style: chr12-40637425-C-T.
Other names: p.Phe260=.
Identifiers: ClinVar variation 1760728 (VCV001760728.3), dbSNP rs764905733, ClinGen allele CA6513185.